The following is an entry in ClinVar:

NM_001349338.3(FOXP1):c.1348+1G>C

Gene: FOXP1 (forkhead box P1; minus strand). Cytogenetic location: 3p13.
Variant type: single nucleotide variant.
Coding change: c.1348+1G>C on transcript NM_001349338.3 (MANE Select); the canonical splice donor site of the intron after coding-DNA position 1348, G replaced by C.
Molecular consequence: splice donor variant.
Genome position (GRCh38, 1-based): chr3:70,977,827, C>G on the plus strand (G>C on the coding strand, the complement: FOXP1 is on the minus strand). VCF-style: chr3-70977827-C-G. GRCh37 (hg19) VCF-style: chr3-71026978-C-G.
Other names: FOXP1:c.1348+1G>C; c.1348+1G>C (NM_001244810.2, NM_032682.6, NM_001349340.3 and 3 more transcripts); c.1345+1G>C (NM_001349341.3); c.1120+1G>C (NM_001244812.3); c.1045+1G>C (NM_001349343.3, NM_001349337.2, NM_001349344.3); c.1048+1G>C (NM_001349342.3, NM_001370548.1, NM_001244815.2 and 1 more transcripts).
Identifiers: ClinVar variation 587696 (VCV000587696.3), dbSNP rs1559619762, ClinGen allele CA353493388.

ClinVar aggregate classification (germline): Pathogenic (1 of 4 stars; one submission).

Conditions:
Autism (AUTS). Also called: Autistic disorder; Autistic disorder of childhood onset. Identifiers: MedGen C0004352, MeSH D001321, MONDO:0005260, OMIM 209850, HP:0000717.
Intellectual disability. Also called: Intellectual developmental disorder; Intellectual functioning disability; intellectual disabilities. Identifiers: MedGen C3714756, MeSH D008607, MONDO:0001071, HP:0001249.

Submission:

Laboratoire de Genetique Biologique, CHU de Poitiers
Classification: Pathogenic for Autism; Intellectual disability. Last evaluated: 2018-10-15. Review status: criteria provided, single submitter. Criteria: ACMG Guidelines, 2015. Collection method: clinical testing. Allele origin: de novo. Inheritance: Autosomal dominant inheritance. Affected: yes. Observed: 1 heterozygote.
Comment: de novo; characteristic dysmorphology